The following continues an entry in ClinVar:

NM_000018.4(ACADVL):c.890AGA[2] (p.Lys299del)

Gene: ACADVL. ClinVar aggregate classification (germline): Likely pathogenic. Likely pathogenic (1).

Submissions 8 to 13 of 13:

Women's Health and Genetics/Laboratory Corporation of America, LabCorp
Classification: Pathogenic for Very long chain acyl-CoA dehydrogenase deficiency. Last evaluated: 2023-11-01. Review status: criteria provided, single submitter. Criteria: LabCorp Variant Classification Summary - May 2015. Collection method: clinical testing. Allele origin: germline. Not counted in ClinVar's aggregate classification.
Comment: Variant summary: ACADVL c.896_898delAGA (p.Lys299del) results in an in-frame deletion that is predicted to remove one amino acids from the encoded protein. The variant allele was found at a frequency of 2.4e-05 in 250448 control chromosomes (gnomAD). c.896_898delAGA (also known as c.895_897del and K258del) has been reported in the literature in multiple individuals affected with features of Very Long Chain Acyl-CoA Dehydrogenase Deficiency (examples: Souri_1996, Mathur_1999, Lin_2020, Wang_2021). These data indicate that the variant is very likely to be associated with disease. At least one publication reports experimental evidence that this variant disrupts normal protein activity (Souri_1996). The following publications have been ascertained in the context of this evaluation (PMID: 8554073, 32710939, 10077518, 33278787). Four submitters have cited clinical-significance assessments for this variant to ClinVar after 2014. All submitters classified the variant as pathogenic. Based on the evidence outlined above, the variant was classified as pathogenic.

GeneDx
Classification: Pathogenic. Last evaluated: 2021-08-19. Review status: criteria provided, single submitter. Criteria: GeneDx Variant Classification Process June 2021. Collection method: clinical testing. Allele origin: germline. Affected: yes. Not counted in ClinVar's aggregate classification.
Comment: Reported previously in association with VLCAD deficiency in multiple individuals (Souri et al., 1996; Schiff et al., 2013; Merinero et al., 2017); Functional studies in CHO cells found that the resultant mRNA and protein were unstable, that the resultant protein appeared abnormal in dimer assembly, and was associated with undetectable activity of the VLCAD enzyme (Souri et al., 1996); In silico analysis, which includes protein predictors and evolutionary conservation, supports a deleterious effect; Not observed at a significant frequency in large population cohorts (Lek et al., 2016); This variant is associated with the following publications: (PMID: 8554073, 23480858, 28755359, 27535533, 33278787, 32710939)

Wong Mito Lab, Molecular and Human Genetics, Baylor College of Medicine
Classification: Pathogenic for Very long chain acyl-CoA dehydrogenase deficiency. Last evaluated: 2019-11-01. Review status: criteria provided, single submitter. Criteria: ACMG Guidelines, 2015. Collection method: clinical testing. Allele origin: germline. Not counted in ClinVar's aggregate classification.
Comment: The NM_000018.3:c.896_898delAGA (NP_000009.1:p.Lys299del) [GRCH38: NC_000017.11:g.7222684_7222686delAGA] variant in ACADVL gene is interpretated to be Pathogenic based on ACMG guidelines (PMID: 25741868). This variant has been reported in PMID: 8554073. This variant meets the following evidence codes reported in the ACMG guidelines: PVS1, PS3

Eurofins Ntd Llc (ga)
Classification: Pathogenic. Last evaluated: 2013-05-15. Review status: criteria provided, single submitter. Criteria: EGL Classification Definitions. Collection method: clinical testing. Allele origin: germline. Observed: 1 variant allele, 1 heterozygote. Not counted in ClinVar's aggregate classification.

Counsyl
Classification: Likely pathogenic for Very long chain acyl-CoA dehydrogenase deficiency. Last evaluated: 2014-09-10. Review status: no assertion criteria provided. Collection method: literature only. Allele origin: unknown. Inheritance: Autosomal recessive inheritance. Not counted in ClinVar's aggregate classification.

OMIM
Classification: Pathogenic for VLCAD DEFICIENCY. Last evaluated: 1996-01-01. Review status: no assertion criteria provided. Collection method: literature only. Allele origin: germline. Not counted in ClinVar's aggregate classification.

Literature cited by the submitters: PubMed 8554073 (cited by 7 submitters); PubMed 10738914 (cited by 3 submitters); PubMed 9973285 (cited by Labcorp Genetics (formerly Invitae), Labcorp); PubMed 16982043 (cited by Labcorp Genetics (formerly Invitae), Labcorp); PubMed 10077518 (cited by Natera, Inc. and Women's Health and Genetics/Laboratory Corporation of America, LabCorp); PubMed 32710939 (cited by Women's Health and Genetics/Laboratory Corporation of America, LabCorp); PubMed 33278787 (cited by Women's Health and Genetics/Laboratory Corporation of America, LabCorp).